The following is an entry in ClinVar:

ClinVar aggregate classification (germline): Benign. Review status: reviewed by expert panel (3 of 4 stars). 4 submissions from 4 submitters: Benign (1). 3 of the submissions do not count toward it. Last evaluated 2020-05-13.

Conditions:
Hereditary thrombocytopenia and hematologic cancer predisposition syndrome. Identifiers: Orphanet 71290, MedGen CN281654, MONDO:0011071.
Hereditary thrombocytopenia and hematological cancer predisposition syndrome associated with RUNX1. Also called: PLATELET DISORDER, ASPIRIN-LIKE; RUNX1 Familial Platelet Disorder with Associated Myeloid Malignancies; Familial Platelet Disorder with Propensity to Acute Myelogenous Leukemia; Familial thrombocytopenia with propensity to acute myelogenous leukemia. Identifiers: Orphanet 71290, MedGen C1832388, MeSH C563324, MONDO:0100083, OMIM 601399.

Allele frequency attached by ClinVar (database versions not stated): gnomAD exomes 0.00334 and 0.00508; ExAC 0.00784; gnomAD 0.03259 and 0.03364; TOPMed 0.03637; 1000 Genomes Project 0.04573; 1000 Genomes Project 30x 0.04919.
gnomAD v4.1: 7,899 of 1,029,712 alleles (0.77%); highest among the groups gnomAD compares: African/African-American, 10%; 318 homozygotes.

Submissions (4):

ClinGen Myeloid Malignancy Variant Curation Expert Panel
Classification: Benign for Hereditary thrombocytopenia and hematologic cancer predisposition syndrome. Last evaluated: 2020-05-13. Review status: reviewed by expert panel. Criteria: ClinGen MyeloMalig ACMG Specifications v1. Collection method: curation. Allele origin: germline. Inheritance: Autosomal dominant inheritance.
Comment: The NM_001754.4:c.*70T>C variant in the 3' UTR has an MAF of 0.099 (10%, 4129/41702 alleles) in the African subpopulation of the gnomAD v3 cohort and is >= 0.0015 (0.15%) (BA1). This variant is detected in a homozygous state in 190 individuals in the gnomAD v3 population database (BP2). In summary, this variant meets criteria to be classified as benign. ACMG/AMP criteria applied, as specified by the Myeloid Malignancy Variant Curation Expert Panel for RUNX1: BA1, BP2.

GeneDx
Classification: Benign. Last evaluated: 2018-06-23. Review status: criteria provided, single submitter. Criteria: GeneDx Variant Classification Process June 2021. Collection method: clinical testing. Allele origin: germline. Affected: yes. Not counted in ClinVar's aggregate classification.

Illumina Laboratory Services, Illumina
Classification: Benign for Hereditary thrombocytopenia and hematological cancer predisposition syndrome associated with RUNX1. Last evaluated: 2018-01-13. Review status: criteria provided, single submitter. Criteria: ICSL Variant Classification Criteria 13 December 2019. Collection method: clinical testing. Allele origin: germline. Not counted in ClinVar's aggregate classification.
Comment: This variant was observed in the ICSL laboratory as part of a predisposition screen in an ostensibly healthy population. It had not been previously curated by ICSL or reported in the Human Gene Mutation Database (HGMD: prior to June 1st, 2018), and was therefore a candidate for classification through an automated scoring system. Utilizing variant allele frequency, disease prevalence and penetrance estimates, and inheritance mode, an automated score was calculated to assess if this variant is too frequent to cause the disease. Based on the score and internal cut-off values, a variant classified as benign is not then subjected to further curation. The score for this variant resulted in a classification of benign for this disease.

Breakthrough Genomics
Classification: Benign. Review status: criteria provided, single submitter. Criteria: ACMG Guidelines, 2015. Collection method: not provided. Allele origin: germline. Inheritance: Autosomal dominant inheritance. Affected: yes. Not counted in ClinVar's aggregate classification.

NM_001754.5(RUNX1):c.*70T>C

Gene: RUNX1 (RUNX family transcription factor 1; minus strand). Cytogenetic location: 21q22.12.
Variant type: single nucleotide variant.
Coding change: c.*70T>C on transcript NM_001754.5 (MANE Select); 70 bases downstream of the stop codon, T replaced by C.
Molecular consequence: 3 prime UTR variant.
Genome position (GRCh38, 1-based): chr21:34,792,065, A>G on the plus strand (T>C on the coding strand, the complement: RUNX1 is on the minus strand). VCF-style: chr21-34792065-A-G. GRCh37 (hg19) VCF-style: chr21-36164362-A-G.
Other names: c.*70T>C (NM_001001890.3, NM_001754.4).
Identifiers: ClinVar variation 339872 (VCV000339872.10), dbSNP rs150481777, ClinGen allele CA10014161.